The following is an entry in ClinVar:

NM_000091.5(COL4A3):c.2096T>C (p.Ile699Thr)

Genes: COL4A3 (collagen type IV alpha 3 chain; plus strand), MFF-DT (MFF divergent transcript; minus strand). Cytogenetic location: 2q36.3.
Variant type: single nucleotide variant.
Coding change: c.2096T>C on transcript NM_000091.5 (MANE Select); coding-DNA position 2096, T replaced by C.
Protein change: p.Ile699Thr; replaces isoleucine 699 with threonine.
Molecular consequence: missense variant.
Genome position (GRCh38, 1-based): chr2:227,277,524, T>C. VCF-style: chr2-227277524-T-C. GRCh37 (hg19) VCF-style: chr2-228142240-T-C.
Other names: short protein forms I699T.
Identifiers: ClinVar variation 1312488 (VCV001312488.8), dbSNP rs754146345, ClinGen allele CA2146852.

ClinVar aggregate classification (germline): Conflicting classifications of pathogenicity. Review status: criteria provided, conflicting classifications (1 of 4 stars). 3 submissions from 3 submitters: Uncertain significance (1); Likely benign (2). Last evaluated 2025-02-06.

Allele frequency attached by ClinVar (database versions not stated): gnomAD 0.00001; gnomAD exomes 0.00002 and 0.00003; TOPMed 0.00002; ExAC 0.00004.
gnomAD v4.1: 26 of 1,611,758 alleles (0.0016%); highest among the groups gnomAD compares: East Asian, 0.016%; no homozygotes.

Submissions (3):

Revvity Omics, Revvity
Classification: Likely benign. Last evaluated: 2025-02-06. Review status: criteria provided, single submitter. Criteria: ACMG Guidelines, 2015. Collection method: clinical testing. Allele origin: germline.

Labcorp Genetics (formerly Invitae), Labcorp
Classification: Likely benign. Last evaluated: 2025-01-23. Review status: criteria provided, single submitter. Criteria: Invitae Variant Classification Sherloc (09022015). Collection method: clinical testing. Allele origin: germline.

GeneDx
Classification: Uncertain significance. Last evaluated: 2019-09-25. Review status: criteria provided, single submitter. Criteria: GeneDx Variant Classification Process June 2021. Collection method: clinical testing. Allele origin: germline. Affected: yes.
Comment: In silico analysis, which includes protein predictors and evolutionary conservation, supports that this variant does not alter protein structure/function; Reported in an abstract in a patient with familial hematuria; however, no additional information is available (Yu et al., 2017)